The following is an entry in ClinVar:

ClinVar aggregate classification (germline): Uncertain significance (1 of 4 stars; one submission).

Submission:

Labcorp Genetics (formerly Invitae), Labcorp
Classification: Uncertain significance. Last evaluated: 2024-03-13. Review status: criteria provided, single submitter. Criteria: Invitae Variant Classification Sherloc (09022015). Collection method: clinical testing. Allele origin: germline.
Comment: This sequence change falls in intron 3 of the UCHL1 gene. It does not directly change the encoded amino acid sequence of the UCHL1 protein. It affects a nucleotide within the consensus splice site. This variant is not present in population databases (gnomAD no frequency). This variant has not been reported in the literature in individuals affected with UCHL1-related conditions. Variants that disrupt the consensus splice site are a relatively common cause of aberrant splicing (PMID: 17576681, 9536098). Algorithms developed to predict the effect of sequence changes on RNA splicing suggest that this variant is not likely to affect RNA splicing. In summary, the available evidence is currently insufficient to determine the role of this variant in disease. Therefore, it has been classified as a Variant of Uncertain Significance.

Literature cited by the submitters: PubMed 17576681; PubMed 9536098.

NM_004181.5(UCHL1):c.174+4G>A

Gene: UCHL1 (ubiquitin C-terminal hydrolase L1; plus strand). Cytogenetic location: 4p13.
Variant type: single nucleotide variant.
Coding change: c.174+4G>A on transcript NM_004181.5 (MANE Select); 4 bases into the intron after coding-DNA position 174, G replaced by A.
Molecular consequence: intron variant.
Genome position (GRCh38, 1-based): chr4:41,257,741, G>A. VCF-style: chr4-41257741-G-A. GRCh37 (hg19) VCF-style: chr4-41259758-G-A.
Identifiers: ClinVar variation 3645598 (VCV003645598.2).